The following is an entry in ClinVar:

ClinVar aggregate classification (germline): Pathogenic (1 of 4 stars; one submission).

Conditions:
Granulomatous disease, chronic, autosomal recessive, cytochrome b-positive, type 3. Also called: GRANULOMATOUS DISEASE, CHRONIC, AUTOSOMAL RECESSIVE, 3; Granulomatous disease, chronic, autosomal recessive, cytochrome b-positive, type III; CGD, AUTOSOMAL RECESSIVE CYTOCHROME b-POSITIVE, TYPE III; GRANULOMATOUS DISEASE, CHRONIC, DUE TO NCF4 DEFICIENCY. Identifiers: Orphanet 379, MedGen C3151409, MONDO:0013507, OMIM 613960.

Submission:

Labcorp Genetics (formerly Invitae), Labcorp
Classification: Pathogenic for Granulomatous disease, chronic, autosomal recessive, cytochrome b-positive, type 3. Last evaluated: 2025-09-08. Review status: criteria provided, single submitter. Criteria: Invitae Variant Classification Sherloc (09022015). Collection method: clinical testing. Allele origin: germline.
Comment: This sequence change creates a premature translational stop signal (p.Arg153Alafs*37) in the NCF4 gene. It is expected to result in an absent or disrupted protein product. Loss-of-function variants in NCF4 are known to be pathogenic (PMID: 16880254, 19692703, 20167518). This variant is not present in population databases (gnomAD no frequency). This variant has not been reported in the literature in individuals affected with NCF4-related conditions. ClinVar contains an entry for this variant (Variation ID: 2828193). For these reasons, this variant has been classified as Pathogenic.

Literature cited by the submitters: PubMed 16880254; PubMed 19692703; PubMed 20167518.

NM_000631.5(NCF4):c.456del (p.Arg153fs)

Gene: NCF4 (neutrophil cytosolic factor 4; plus strand). Cytogenetic location: 22q12.3.
Variant type: Deletion.
Coding change: c.456del on transcript NM_000631.5 (MANE Select); coding-DNA position 456, one base deleted (G; older notation c.456delG).
Protein change: p.Arg153fs; shifts the reading frame from arginine 153.
Molecular consequence: frameshift variant.
Genome position (GRCh38, 1-based): chr22:36,870,528, G deleted. VCF-style (leftmost placement, unchanged base first): chr22-36870527-CG-C. GRCh37 (hg19) VCF-style: chr22-37266569-CG-C.
Other names: c.456del, p.Arg153fs (NM_013416.4); short protein forms R153fs.
Identifiers: ClinVar variation 2828193 (VCV002828193.3), dbSNP rs2548810898, ClinGen allele CA2739267945.
Genomic context (GRCh38, chr22:36,870,527, plus strand): 5'-TCTTTTACCAGTCGCCCTATGACTCAGAGCAGGTGCCCCAGGCACTCCGCCGGCTCCGCC[CG>C]CGCACCCGGAAAGTGTAAGTGACCAGCCCCTGGGCTTCCACATGGCCAGAGCCCTGGGTC-3'